The following is an entry in ClinVar:

NM_005996.4(TBX3):c.1710+3A>G

Gene: TBX3 (T-box transcription factor 3; minus strand). Cytogenetic location: 12q24.21.
Variant type: single nucleotide variant.
Coding change: c.1710+3A>G on transcript NM_005996.4 (MANE Select); 3 bases into the intron after coding-DNA position 1710, A replaced by G.
Molecular consequence: intron variant.
Genome position (GRCh38, 1-based): chr12:114,674,162, T>C on the plus strand (A>G on the coding strand, the complement: TBX3 is on the minus strand). VCF-style: chr12-114674162-T-C. GRCh37 (hg19) VCF-style: chr12-115111967-T-C.
Other names: c.1770+3A>G (NM_016569.4).
Identifiers: ClinVar variation 4809879 (VCV004809879.2).

ClinVar aggregate classification (germline): Uncertain significance. Review status: criteria provided, multiple submitters, no conflicts (2 of 4 stars). 2 submissions from 2 submitters: Uncertain significance (2). Last evaluated 2025-11-18.

Conditions:
Ulnar-mammary syndrome (UMS). Also called: SCHINZEL SYNDROME; Ulnar-mammary syndrome of Pallister; PALLISTER ULNAR-MAMMARY SYNDROME. Identifiers: Orphanet 3138, MedGen C1866994, MONDO:0008411, OMIM 181450.

gnomAD v4.1: 2 of 1,581,130 alleles (0.00013%); highest among the groups gnomAD compares: Non-Finnish European, 0.000086%; no homozygotes.

Submissions (2):

Labcorp Genetics (formerly Invitae), Labcorp
Classification: Uncertain significance for Ulnar-mammary syndrome. Last evaluated: 2025-11-18. Review status: criteria provided, single submitter. Criteria: Invitae Variant Classification Sherloc (09022015). Collection method: clinical testing. Allele origin: germline.
Comment: This sequence change falls in intron 6 of the TBX3 gene. It does not directly change the encoded amino acid sequence of the TBX3 protein. It affects a nucleotide within the consensus splice site. This variant is not present in population databases (gnomAD no frequency). This variant has not been reported in the literature in individuals affected with TBX3-related conditions. Variants that disrupt the consensus splice site are a relatively common cause of aberrant splicing (PMID: 17576681, 9536098). Algorithms developed to predict the effect of sequence changes on RNA splicing suggest that this variant is not likely to affect RNA splicing. In summary, the available evidence is currently insufficient to determine the role of this variant in disease. Therefore, it has been classified as a Variant of Uncertain Significance.

Blueprint Genetics
Classification: Uncertain significance. Last evaluated: 2024-05-08. Review status: criteria provided, single submitter. Criteria: ACMG Guidelines, 2015. Collection method: clinical testing. Allele origin: germline.

Literature cited by the submitters: PubMed 17576681 (cited by Labcorp Genetics (formerly Invitae), Labcorp); PubMed 9536098 (cited by Labcorp Genetics (formerly Invitae), Labcorp).